The following is an entry in ClinVar:

NM_177972.3(TUB):c.86G>A (p.Arg29Gln)

Gene: TUB (TUB bipartite transcription factor; plus strand). Cytogenetic location: 11p15.4.
Variant type: single nucleotide variant.
Coding change: c.86G>A on transcript NM_177972.3 (MANE Select); coding-DNA position 86, G replaced by A.
Protein change: p.Arg29Gln; replaces arginine 29 with glutamine.
Molecular consequence: missense variant.
Genome position (GRCh38, 1-based): chr11:8,089,657, G>A. VCF-style: chr11-8089657-G-A. GRCh37 (hg19) VCF-style: chr11-8111204-G-A.
Other names: c.104G>A, p.Arg35Gln (NM_001440538.1, NM_001440539.1, NM_001440540.1 and 1 more transcripts); c.86G>A, p.Arg29Gln (NM_001440541.1); c.251G>A, p.Arg84Gln (NM_003320.5); c.251G>A (NM_003320.4); short protein forms R29Q, R84Q, R35Q.
Identifiers: ClinVar variation 4910557 (VCV004910557.2).
Genomic context (GRCh38, chr11:8,089,657, plus strand): 5'-TTTCGCTCTGCAGTGTCTTAGATGATGAGGGCAGAAACCTGAGGCAGCAGAAGCTTGATC[G>A]GCAGGTGAGTAGGCCTGGGGCCGGGTAGAAGGGAAGAGTCTGGGCTGGGATCTCTGAGGG-3'
Protein context (NP_813977.1, residues 19-39): GRNLRQQKLD[Arg29Gln]QRALLEQKQK

ClinVar aggregate classification (germline): Uncertain significance. Review status: criteria provided, multiple submitters, no conflicts (2 of 4 stars). 2 submissions from 2 submitters: Uncertain significance (2). Last evaluated 2025-04-16.

Conditions:
TUB-related disorder. Also called: TUB-related condition.

Submissions (2):

PreventionGenetics, part of Exact Sciences
Classification: Uncertain significance for TUB-related condition. Last evaluated: 2025-04-16. Review status: criteria provided, single submitter. Criteria: ACMG Guidelines, 2015. Collection method: clinical testing. Allele origin: germline.
Comment: The TUB c.251G>A variant is predicted to result in the amino acid substitution p.Arg84Gln. To our knowledge, this variant has not been reported in the literature. This variant is reported in 0.0040% of alleles in individuals of European (Finnish) descent in gnomAD. At this time, the clinical significance of this variant is uncertain due to the absence of conclusive functional and genetic evidence.

Blueprint Genetics
Classification: Uncertain significance. Last evaluated: 2023-01-20. Review status: criteria provided, single submitter. Criteria: ACMG Guidelines, 2015. Collection method: clinical testing. Allele origin: germline.